The following is an entry in ClinVar:

NM_005120.3(MED12):c.5846C>A (p.Ser1949Tyr)

Gene: MED12 (mediator complex subunit 12; plus strand). Cytogenetic location: Xq13.1.
Variant type: single nucleotide variant.
Coding change: c.5846C>A on transcript NM_005120.3 (MANE Select); coding-DNA position 5846, C replaced by A.
Protein change: p.Ser1949Tyr; replaces serine 1949 with tyrosine.
Molecular consequence: missense variant.
Genome position (GRCh38, 1-based): chrX:71,137,745, C>A. VCF-style: chrX-71137745-C-A. GRCh37 (hg19) VCF-style: chrX-70357595-C-A.
Other names: short protein forms S1949Y.
Identifiers: ClinVar variation 4527633 (VCV004527633.1).

ClinVar aggregate classification (germline): Uncertain significance (1 of 4 stars; one submission).

Submission:

GeneDx
Classification: Uncertain significance. Last evaluated: 2025-04-23. Review status: criteria provided, single submitter. Criteria: GeneDx Variant Classification Process June 2021. Collection method: clinical testing. Allele origin: germline. Affected: yes.
Comment: Not observed at significant frequency in large population cohorts (gnomAD); In silico analysis indicates that this missense variant does not alter protein structure/function; Has not been previously published as pathogenic or benign to our knowledge